The following is an entry in ClinVar:

NM_000540.3(RYR1):c.1172G>A (p.Arg391His)

Gene: RYR1 (ryanodine receptor 1; plus strand). Cytogenetic location: 19q13.2.
Variant type: single nucleotide variant.
Coding change: c.1172G>A on transcript NM_000540.3 (MANE Select); coding-DNA position 1172, G replaced by A.
Protein change: p.Arg391His; replaces arginine 391 with histidine.
Molecular consequence: missense variant.
Genome position (GRCh38, 1-based): chr19:38,451,813, G>A. VCF-style: chr19-38451813-G-A. GRCh37 (hg19) VCF-style: chr19-38942453-G-A.
Other names: c.1172G>A, p.Arg391His (NM_001042723.2); short protein forms R391H.
Identifiers: ClinVar variation 194002 (VCV000194002.21), dbSNP rs769387053, ClinGen allele CA023928.

ClinVar aggregate classification (germline): Uncertain significance. Review status: criteria provided, multiple submitters, no conflicts (2 of 4 stars). 9 submissions from 9 submitters: Uncertain significance (9). Last evaluated 2026-02-01.

Conditions:
RYR1-related disorder. Also called: RYR1-related condition; RYR1-related disorders. Identifiers: MedGen CN239331.
Central core myopathy (CMYO1A). Also called: CONGENITAL MYOPATHY 1A, AUTOSOMAL DOMINANT, WITH SUSCEPTIBILITY TO MALIGNANT HYPERTHERMIA; Central core disease; Myopathy, central fibrillar. Identifiers: Orphanet 597, MedGen C5830701, MONDO:0007294, OMIM 117000.
Malignant hyperthermia, susceptibility to, 1 (MHS1). Also called: RYR1-Related Malignant Hyperthermia Susceptibility; Anesthesia related hyperthermia; Malignant hyperpyrexia; Fulminating hyperpyrexia; Pharmacogenic myopathy; Malignant hyperthermia suceptibility 1. Identifiers: Orphanet 423, MedGen C2930980, MONDO:0007783, OMIM 145600.
King Denborough syndrome (KDS). Identifiers: MedGen C1840365, MONDO:0020485, OMIM 619542.
Congenital myopathy with fiber type disproportion. Also called: Congenital fiber-type disproportion; Congenital fiber-type disproportion myopathy. Identifiers: Orphanet 2020, MedGen C0546264, MONDO:0009711. Inheritance: all.
Congenital multicore myopathy with external ophthalmoplegia (CMYO1B). Also called: MULTIMINICORE DISEASE WITH EXTERNAL OPHTHALMOPLEGIA; MULTICORE MYOPATHY; Minicore myopathy with external ophthalmoplegia; Congenital myopathy 1B, autosomal recessive; Minicore myopathy. Identifiers: Orphanet 598, Orphanet 98905, MedGen C1850674, MONDO:0009712, OMIM 255320, HP:0003789.

Allele frequency attached by ClinVar (database versions not stated): ExAC 0.00002; TOPMed 0.00002; gnomAD exomes 0.00003; gnomAD 0.00006.
gnomAD v4.1: 52 of 1,613,930 alleles (0.0032%); highest among the groups gnomAD compares: Non-Finnish European, 0.0042%; no homozygotes.

Submissions (9):

Labcorp Genetics (formerly Invitae), Labcorp
Classification: Uncertain significance for RYR1-related disorder. Last evaluated: 2026-02-01. Review status: criteria provided, single submitter. Criteria: Invitae Variant Classification Sherloc (09022015). Collection method: clinical testing. Allele origin: germline.
Comment: This sequence change replaces arginine, which is basic and polar, with histidine, which is basic and polar, at codon 391 of the RYR1 protein (p.Arg391His). This variant is present in population databases (rs769387053, gnomAD 0.006%). This missense change has been observed in individual(s) with RYR1 associated conditions (PMID: 25214167). ClinVar contains an entry for this variant (Variation ID: 194002). Invitae Evidence Modeling of protein sequence and biophysical properties (such as structural, functional, and spatial information, amino acid conservation, physicochemical variation, residue mobility, and thermodynamic stability) has been performed for this missense variant. However, the output from this modeling did not meet the statistical confidence thresholds required to predict the impact of this variant on RYR1 protein function. In summary, the available evidence is currently insufficient to determine the role of this variant in disease. Therefore, it has been classified as a Variant of Uncertain Significance.

Color Diagnostics, LLC DBA Color Health
Classification: Uncertain significance for Malignant hyperthermia, susceptibility to, 1. Last evaluated: 2025-11-20. Review status: criteria provided, single submitter. Criteria: ACMG Guidelines, 2015. Collection method: clinical testing. Allele origin: germline.
Comment: This missense variant replaces arginine with histidine at codon 391 of the RYR1 protein. Computational prediction suggests that this variant may have deleterious impact on protein structure and function. This variant occurs in the N-terminal region (a.a. 1-552) of the RYR1 protein that is considered to be a hotspot for pathogenic variants that contribute to malignant hyperthermia susceptibility (PMID: 21118704). To our knowledge, functional studies have not been reported for this variant. This variant has not been reported in individuals affected with malignant hyperthermia in the literature. This variant has been identified in 52/1613930 chromosomes in the general population by the Genome Aggregation Database (gnomAD). The available evidence is insufficient to determine the role of this variant in disease conclusively. Therefore, this variant is classified as a Variant of Uncertain Significance.

PreventionGenetics, part of Exact Sciences
Classification: Uncertain significance for RYR1-related condition. Last evaluated: 2025-03-27. Review status: criteria provided, single submitter. Criteria: ACMG Guidelines, 2015. Collection method: clinical testing. Allele origin: germline.
Comment: The RYR1 c.1172G>A variant is predicted to result in the amino acid substitution p.Arg391His. This variant has been reported in an individual with RYR1-related disorder (Supplemental Table, Kushnir et al. 2020. PubMed ID: 32236737). This variant is reported in 0.0070% of alleles in individuals of European (Non-Finnish) descent in gnomAD. At this time, the clinical significance of this variant is uncertain due to the absence of conclusive functional and genetic evidence.

Revvity Omics, Revvity
Classification: Uncertain significance. Last evaluated: 2024-11-18. Review status: criteria provided, single submitter. Criteria: ACMG Guidelines, 2015. Collection method: clinical testing. Allele origin: germline.

Blueprint Genetics
Classification: Uncertain significance. Last evaluated: 2024-07-18. Review status: criteria provided, single submitter. Criteria: ACMG Guidelines, 2015. Collection method: clinical testing. Allele origin: germline.

GeneDx
Classification: Uncertain significance. Last evaluated: 2023-01-29. Review status: criteria provided, single submitter. Criteria: GeneDx Variant Classification Process June 2021. Collection method: clinical testing. Allele origin: germline. Affected: yes.
Comment: Not observed at significant frequency in large population cohorts (gnomAD); In silico analysis supports that this missense variant has a deleterious effect on protein structure/function; Has not been previously published as pathogenic or benign to our knowledge

Fulgent Genetics
Classification: Uncertain significance for Central core myopathy; Malignant hyperthermia, susceptibility to, 1; Congenital myopathy 4A, autosomal dominant; Congenital multicore myopathy with external ophthalmoplegia; King Denborough syndrome. Last evaluated: 2021-08-19. Review status: criteria provided, single submitter. Criteria: ACMG Guidelines, 2015. Collection method: clinical testing. Allele origin: unknown.

Genetic Services Laboratory, University of Chicago
Classification: Uncertain significance. Last evaluated: 2017-12-01. Review status: criteria provided, single submitter. Criteria: ACMG Guidelines, 2015. Collection method: clinical testing. Allele origin: germline. Affected: no.

Eurofins Ntd Llc (ga)
Classification: Uncertain significance. Last evaluated: 2014-12-19. Review status: criteria provided, single submitter. Criteria: EGL Classification Definitions 2015. Collection method: clinical testing. Allele origin: germline. Observed: 1 variant allele, 1 heterozygote.

Literature cited by the submitters: PubMed 25214167 (cited by Labcorp Genetics (formerly Invitae), Labcorp); PubMed 21118704 (cited by Color Diagnostics, LLC DBA Color Health).